The following is an entry in ClinVar:

NM_000334.4(SCN4A):c.903C>T (p.Tyr301=)

Gene: SCN4A (sodium voltage-gated channel alpha subunit 4; minus strand). Cytogenetic location: 17q23.3.
Variant type: single nucleotide variant.
Coding change: c.903C>T on transcript NM_000334.4 (MANE Select); coding-DNA position 903, C replaced by T.
Protein change: p.Tyr301=; no amino-acid change (tyrosine 301 retained).
Molecular consequence: synonymous variant.
Genome position (GRCh38, 1-based): chr17:63,968,156, G>A on the plus strand (C>T on the coding strand, the complement: SCN4A is on the minus strand). VCF-style: chr17-63968156-G-A. GRCh37 (hg19) VCF-style: chr17-62045516-G-A.
Identifiers: ClinVar variation 389964 (VCV000389964.16), dbSNP rs201411232, ClinGen allele CA8710009.

ClinVar aggregate classification (germline): Benign/Likely benign. Review status: criteria provided, multiple submitters, no conflicts (2 of 4 stars). 6 submissions from 6 submitters: Benign (1); Likely benign (4). 1 of the submissions does not count toward it. Last evaluated 2026-01-04.

Conditions:
Hypokalemic periodic paralysis, type 1. Also called: Hypokalemic Periodic Paralysis Type 1 (AD); HypoPP. Identifiers: Orphanet 681, MedGen C3714580, MONDO:0042979, OMIM 170400.
Potassium-aggravated myotonia. Also called: SODIUM CHANNEL MUSCLE DISEASE; Myotonia congenita, atypical, acetazolamide-responsive; MYOTONIA CONGENITA, ACETAZOLAMIDE-RESPONSIVE; MYOTONIA CONGENITA, ATYPICAL. Identifiers: Orphanet 612, Orphanet 99734, Orphanet 99735, Orphanet 99736, MedGen C2931826, MONDO:0018959, OMIM 608390.
Paramyotonia congenita of Von Eulenburg. Also called: Eulenburg disease; Myotonia congenita intermittens; Von Eulenburg paramyotonia congenita; Paramyotonia Congenita; PARALYSIS PERIODICA PARAMYOTONICA. Identifiers: Orphanet 684, MedGen C0221055, MONDO:0008195, OMIM 168300. Disease mechanism: loss of function.
Hypokalemic periodic paralysis, type 2 (HOKPP2). Identifiers: Orphanet 681, MedGen C2750061, MONDO:0013234, OMIM 613345.
Congenital myasthenic syndrome 16. Identifiers: Orphanet 590, MedGen C3280112, MONDO:0013620, OMIM 614198.
Hyperkalemic periodic paralysis. Also called: Familial hyperkalemic periodic paralysis; Gamstorp disease. Identifiers: Orphanet 682, MedGen C0238357, MONDO:0008224, OMIM 170500, HP:0007215.
SCN4A-related disorder. Also called: SCN4A-related disorders.

Allele frequency attached by ClinVar (database versions not stated): gnomAD exomes 0.00015 and 0.00005; 1000 Genomes Project 30x 0.00016; ExAC 0.00011; TOPMed 0.00005; 1000 Genomes Project 0.00020; gnomAD 0.00004.
gnomAD v4.1: 85 of 1,613,904 alleles (0.0053%); highest among the groups gnomAD compares: Admixed American, 0.053%; no homozygotes.

Submissions (6):

Labcorp Genetics (formerly Invitae), Labcorp
Classification: Likely benign for Hyperkalemic periodic paralysis. Last evaluated: 2026-01-04. Review status: criteria provided, single submitter. Criteria: Invitae Variant Classification Sherloc (09022015). Collection method: clinical testing. Allele origin: germline.

Athena Diagnostics
Classification: Benign. Last evaluated: 2024-10-29. Review status: criteria provided, single submitter. Criteria: Athena Diagnostics Criteria. Collection method: clinical testing. Allele origin: unknown.

Blueprint Genetics
Classification: Likely benign. Last evaluated: 2024-10-24. Review status: criteria provided, single submitter. Criteria: ACMG Guidelines, 2015. Collection method: clinical testing. Allele origin: germline.

Fulgent Genetics
Classification: Likely benign for Paramyotonia congenita of Von Eulenburg; Hypokalemic periodic paralysis, type 1; Hyperkalemic periodic paralysis; Potassium-aggravated myotonia; Hypokalemic periodic paralysis, type 2; Congenital myasthenic syndrome 16. Last evaluated: 2021-10-23. Review status: criteria provided, single submitter. Criteria: ACMG Guidelines, 2015. Collection method: clinical testing. Allele origin: unknown.

GeneDx
Classification: Likely benign. Last evaluated: 2019-01-17. Review status: criteria provided, single submitter. Criteria: GeneDx Variant Classification Process June 2021. Collection method: clinical testing. Allele origin: germline. Affected: yes.

PreventionGenetics, part of Exact Sciences
Classification: Likely benign for SCN4A-related condition. Last evaluated: 2020-03-16. Review status: no assertion criteria provided. Collection method: clinical testing. Allele origin: germline. Not counted in ClinVar's aggregate classification.
Comment: This variant is classified as likely benign based on ACMG/AMP sequence variant interpretation guidelines (Richards et al. 2015 PMID: 25741868, with internal and published modifications).